The following is an entry in ClinVar:

ClinVar aggregate classification (germline): Uncertain significance. Review status: criteria provided, multiple submitters, no conflicts (2 of 4 stars). 3 submissions from 3 submitters: Uncertain significance (3). Last evaluated 2023-11-16.

Conditions:
Immunodeficiency 35 (IMD35). Also called: HIES WITH ATYPICAL MYCOBACTERIOSIS, AUTOSOMAL RECESSIVE; HYPER-IgE SYNDROME WITH ATYPICAL MYCOBACTERIOSIS, AUTOSOMAL RECESSIVE; TYK2 DEFICIENCY; Susceptibility to infection due to TYK2 deficiency. Identifiers: Orphanet 331226, MedGen C1969086, MONDO:0012682, OMIM 611521.

Allele frequency attached by ClinVar (database versions not stated): gnomAD 0.00003 and 0.00004; gnomAD exomes 0.00004 and 0.00009; ExAC 0.00005; TOPMed 0.00008.
gnomAD v4.1: 69 of 1,594,036 alleles (0.0043%); highest among the groups gnomAD compares: East Asian, 0.11%; no homozygotes.

Submissions (3):

Blueprint Genetics
Classification: Uncertain significance. Last evaluated: 2023-11-16. Review status: criteria provided, single submitter. Criteria: ACMG Guidelines, 2015. Collection method: clinical testing. Allele origin: germline.

Labcorp Genetics (formerly Invitae), Labcorp
Classification: Uncertain significance for Immunodeficiency 35. Last evaluated: 2022-03-12. Review status: criteria provided, single submitter. Criteria: Invitae Variant Classification Sherloc (09022015). Collection method: clinical testing. Allele origin: germline.
Comment: This sequence change replaces tyrosine, which is neutral and polar, with cysteine, which is neutral and slightly polar, at codon 1080 of the TYK2 protein (p.Tyr1080Cys). This variant is present in population databases (rs776034616, gnomAD 0.1%). This variant has not been reported in the literature in individuals affected with TYK2-related conditions. ClinVar contains an entry for this variant (Variation ID: 327934). Algorithms developed to predict the effect of missense changes on protein structure and function are either unavailable or do not agree on the potential impact of this missense change (SIFT: "Not Available"; PolyPhen-2: "Probably Damaging"; Align-GVGD: "Not Available"). Algorithms developed to predict the effect of sequence changes on RNA splicing suggest that this variant may create or strengthen a splice site. In summary, the available evidence is currently insufficient to determine the role of this variant in disease. Therefore, it has been classified as a Variant of Uncertain Significance.

Illumina Laboratory Services, Illumina
Classification: Uncertain significance for Immunodeficiency 35. Last evaluated: 2018-01-13. Review status: criteria provided, single submitter. Criteria: ICSL Variant Classification Criteria 13 December 2019. Collection method: clinical testing. Allele origin: germline.

NM_003331.5(TYK2):c.3239A>G (p.Tyr1080Cys)

Gene: TYK2 (tyrosine kinase 2; minus strand). Cytogenetic location: 19p13.2.
Variant type: single nucleotide variant.
Coding change: c.3239A>G on transcript NM_003331.5 (MANE Select); coding-DNA position 3239, A replaced by G.
Protein change: p.Tyr1080Cys; replaces tyrosine 1080 with cysteine.
Molecular consequence: missense variant.
Genome position (GRCh38, 1-based): chr19:10,352,513, T>C on the plus strand (A>G on the coding strand, the complement: TYK2 is on the minus strand). VCF-style: chr19-10352513-T-C. GRCh37 (hg19) VCF-style: chr19-10463189-T-C.
Other names: c.3239A>G (LRG_121t1); short protein forms Y1080C.
Identifiers: ClinVar variation 327934 (VCV000327934.10), dbSNP rs776034616, ClinGen allele CA9192783.